The following is an entry in ClinVar:

NM_003640.5(ELP1):c.1486C>T (p.Gln496Ter)

Gene: ELP1 (elongator acetyltransferase complex subunit 1; minus strand). Cytogenetic location: 9q31.3.
Variant type: single nucleotide variant.
Coding change: c.1486C>T on transcript NM_003640.5 (MANE Select); coding-DNA position 1486, C replaced by T.
Protein change: p.Gln496Ter; replaces glutamine 496 with a stop codon.
Molecular consequence: nonsense.
Genome position (GRCh38, 1-based): chr9:108,906,460, G>A on the plus strand (C>T on the coding strand, the complement: ELP1 is on the minus strand). VCF-style: chr9-108906460-G-A. GRCh37 (hg19) VCF-style: chr9-111668740-G-A.
Other names: c.1486C>T (LRG_251t1); c.1144C>T, p.Gln382Ter (NM_001318360.2); c.439C>T, p.Gln147Ter (NM_001330749.2); short protein forms Q382*, Q147*, Q496*.
Identifiers: ClinVar variation 638948 (VCV000638948.7), dbSNP rs749704610, ClinGen allele CA374427687.

ClinVar aggregate classification (germline): Pathogenic. Review status: criteria provided, multiple submitters, no conflicts (2 of 4 stars). 2 submissions from 2 submitters: Pathogenic (2). Last evaluated 2024-05-08.

Conditions:
Familial dysautonomia. Also called: HSAN III; FD. Identifiers: Orphanet 1764, MedGen C0013364, MONDO:0009131, OMIM 223900. Disease mechanism: loss of function.

Submissions (2):

Myriad Genetics, Inc.
Classification: Pathogenic for Familial dysautonomia. Last evaluated: 2024-05-08. Review status: criteria provided, single submitter. Criteria: Myriad Autosomal Dominant, Autosomal Recessive and X-Linked Classification Criteria (2023). Collection method: clinical testing. Allele origin: unknown.
Comment: NM_003640.3(ELP1):c.1486C>T(Q496*) is expected to be pathogenic in the context of familial dysautonomia. This variant is predicted to lead to an abnormal or absent protein product due to the creation of a premature termination codon in ELP1, a gene where loss-of-function variants are known to be pathogenic. Please note: this variant was assessed in the context of healthy population screening.

Labcorp Genetics (formerly Invitae), Labcorp
Classification: Pathogenic. Last evaluated: 2018-10-19. Review status: criteria provided, single submitter. Criteria: Invitae Variant Classification Sherloc (09022015). Collection method: clinical testing. Allele origin: germline.
Comment: For these reasons, this variant has been classified as Pathogenic. Loss-of-function variants in ELP1 are known to be pathogenic (PMID: 18303054, 24173031). This variant has not been reported in the literature in individuals with ELP1-related disease. This variant is not present in population databases (ExAC no frequency). This sequence change creates a premature translational stop signal (p.Gln496*) in the ELP1 gene. It is expected to result in an absent or disrupted protein product.

Literature cited by the submitters: PubMed 18303054 (cited by Labcorp Genetics (formerly Invitae), Labcorp); PubMed 24173031 (cited by Labcorp Genetics (formerly Invitae), Labcorp).